The following is an entry in ClinVar:

ClinVar aggregate classification (germline): Pathogenic (1 of 4 stars; one submission).

Submission:

Labcorp Genetics (formerly Invitae), Labcorp
Classification: Pathogenic. Last evaluated: 2024-01-13. Review status: criteria provided, single submitter. Criteria: Invitae Variant Classification Sherloc (09022015). Collection method: clinical testing. Allele origin: germline.
Comment: This sequence change creates a premature translational stop signal (p.Glu90*) in the WFS1 gene. It is expected to result in an absent or disrupted protein product. Loss-of-function variants in WFS1 are known to be pathogenic (PMID: 12955714). This variant is not present in population databases (gnomAD no frequency). This variant has not been reported in the literature in individuals affected with WFS1-related conditions. For these reasons, this variant has been classified as Pathogenic.

Literature cited by the submitters: PubMed 12955714.

NM_006005.3(WFS1):c.268G>T (p.Glu90Ter)

Gene: WFS1 (wolframin ER transmembrane glycoprotein; plus strand). Cytogenetic location: 4p16.1.
Variant type: single nucleotide variant.
Coding change: c.268G>T on transcript NM_006005.3 (MANE Select); coding-DNA position 268, G replaced by T.
Protein change: p.Glu90Ter; replaces glutamic acid 90 with a stop codon.
Molecular consequence: nonsense.
Genome position (GRCh38, 1-based): chr4:6,287,128, G>T. VCF-style: chr4-6287128-G-T. GRCh37 (hg19) VCF-style: chr4-6288855-G-T.
Other names: c.268G>T, p.Glu90Ter (NM_001145853.1); short protein forms E90*.
Identifiers: ClinVar variation 2768812 (VCV002768812.3), dbSNP rs2474168094, ClinGen allele CA356170924.
Genomic context (GRCh38, chr4:6,287,128, plus strand): 5'-TGTGTTTGTTTCTTCTGTGTTAAAGGGCCTACAAAGGGAGACATGGAAATCCCCTTTGAA[G>T]AAGTCCTGGAGAGGGCCAAGGCCGGGGACCCCAAGGCACAGACTGAGGTGAGGACTGCGG-3'